The following is an entry in ClinVar:

NM_016507.4(CDK12):c.142A>C (p.Lys48Gln)

Genes: CDK12 (cyclin dependent kinase 12; plus strand), LOC126862553 (CDK7 strongly-dependent group 2 enhancer GRCh37_chr17:37618166-37619365; plus strand). Cytogenetic location: 17q12.
Variant type: single nucleotide variant.
Coding change: c.142A>C on transcript NM_016507.4 (MANE Select); coding-DNA position 142, A replaced by C.
Protein change: p.Lys48Gln; replaces lysine 48 with glutamine.
Molecular consequence: missense variant.
Genome position (GRCh38, 1-based): chr17:39,462,213, A>C. VCF-style: chr17-39462213-A-C. GRCh37 (hg19) VCF-style: chr17-37618466-A-C.
Other names: c.142A>C, p.Lys48Gln (NM_015083.4); short protein forms K48Q.
Identifiers: ClinVar variation 4224356 (VCV004224356.1).
Genomic context (GRCh38, chr17:39,462,213, plus strand): 5'-GGCAGCTCTAACAGCAGAGAGCGTCACCGCTTGGTATCGAAGCACAAGCGGCATAAGTCC[A>C]AACACTCCAAAGACATGGGGTTGGTGACCCCCGAAGCAGCATCCCTGGGCACAGTTATCA-3'
Protein context (NP_057591.2, residues 38-58): LVSKHKRHKS[Lys48Gln]HSKDMGLVTP

ClinVar aggregate classification (germline): Uncertain significance (1 of 4 stars; one submission).

Submission:

Ambry Genetics
Classification: Uncertain significance. Last evaluated: 2025-08-07. Review status: criteria provided, single submitter. Criteria: Ambry Variant Classification Scheme 2023. Collection method: clinical testing. Allele origin: germline.
Comment: The p.K48Q variant (also known as c.142A>C), located in coding exon 1 of the CDK12 gene, results from an A to C substitution at nucleotide position 142. The lysine at codon 48 is replaced by glutamine, an amino acid with similar properties. This amino acid position is conserved. In addition, this alteration is predicted to be tolerated by in silico analysis. Based on the available evidence, the clinical significance of this variant remains unclear.